The following is an entry in ClinVar:

ClinVar aggregate classification (germline): Pathogenic (1 of 4 stars; one submission).

Submission:

CeGaT Center for Human Genetics Tuebingen
Classification: Pathogenic. Last evaluated: 2024-06-01. Review status: criteria provided, single submitter. Criteria: CeGaT Center For Human Genetics Tuebingen Variant Classification Criteria Version 2. Collection method: clinical testing. Allele origin: germline. Affected: yes. Observed: 1 variant allele.
Comment: FBXO11: PVS1, PM2

NM_001190274.2(FBXO11):c.2327del (p.Gly776fs)

Gene: FBXO11 (F-box protein 11; minus strand). Cytogenetic location: 2p16.3.
Variant type: Deletion.
Coding change: c.2327del on transcript NM_001190274.2 (MANE Select); coding-DNA position 2327, one base deleted (G; older notation c.2327delG).
Protein change: p.Gly776fs; shifts the reading frame from glycine 776.
Molecular consequence: frameshift variant.
Genome position (GRCh38, 1-based): chr2:47,810,327, C deleted on the plus strand (G on the coding strand, the reverse complement: FBXO11 is on the minus strand); the first of 2 consecutive C bases (chr2:47,810,327-47,810,328); deleting either gives the same sequence. VCF-style (leftmost placement, unchanged base first): chr2-47810326-TC-T. GRCh37 (hg19) VCF-style: chr2-48037465-TC-T.
Other names: c.2075del, p.Gly692fs (NM_001374325.1, NM_025133.4); short protein forms G692fs, G776fs.
Identifiers: ClinVar variation 3251130 (VCV003251130.18), dbSNP rs2530973442.